The following is an entry in ClinVar:

NM_001384732.1(CPLANE1):c.2020C>T (p.Gln674Ter)

Gene: CPLANE1 (ciliogenesis and planar polarity effector complex subunit 1; minus strand). Cytogenetic location: 5p13.2.
Variant type: single nucleotide variant.
Coding change: c.2020C>T on transcript NM_001384732.1 (MANE Select); coding-DNA position 2020, C replaced by T.
Protein change: p.Gln674Ter; replaces glutamine 674 with a stop codon.
Molecular consequence: nonsense.
Genome position (GRCh38, 1-based): chr5:37,226,575, G>A on the plus strand (C>T on the coding strand, the complement: CPLANE1 is on the minus strand). VCF-style: chr5-37226575-G-A. GRCh37 (hg19) VCF-style: chr5-37226677-G-A.
Other names: c.2020C>T, p.Gln674Ter (NM_023073.4); short protein forms Q674*.
Identifiers: ClinVar variation 2429283 (VCV002429283.4), dbSNP rs1796511689, ClinGen allele CA359497320.
Genomic context (GRCh38, chr5:37,226,575, plus strand): 5'-TTTTGAGTAAATAAAAACAAGCTAAAAGTTTCTCTGAGAATAACTGACCCTTTTGTTGCT[G>A]AGTCAGCAAAAGTTTTACAGTATTTGAGGTCAGCTTTATCAAATGCCCCACATCTTGTTT-3'

ClinVar aggregate classification (germline): Likely pathogenic (1 of 4 stars; one submission).

Conditions:
Joubert syndrome and related disorders. Identifiers: Orphanet 140874, MedGen C5679612, MONDO:0015369.

Allele frequency attached by ClinVar (database versions not stated): TOPMed below 0.00001; gnomAD exomes 0.00001.
gnomAD v4.1: 4 of 1,550,396 alleles (0.00026%); highest among the groups gnomAD compares: Non-Finnish European, 0.00035%; no homozygotes.

Submission:

Women's Health and Genetics/Laboratory Corporation of America, LabCorp
Classification: Likely pathogenic for Joubert syndrome and related disorders. Last evaluated: 2023-01-20. Review status: criteria provided, single submitter. Criteria: LabCorp Variant Classification Summary - May 2015. Collection method: clinical testing. Allele origin: germline.
Comment: Variant summary: CPLANE1 c.2020C>T (p.Gln674X) results in a premature termination codon, predicted to cause a truncation of the encoded protein or absence of the protein due to nonsense mediated decay, which are commonly known mechanisms for disease. Truncations downstream of this position have been associated with Joubert syndrome in HGMD and classifed as pathogenic in ClinVar. The variant was absent in 31408 control chromosomes (gnomAD). To our knowledge, no occurrence of c.2020C>T in individuals affected with Joubert Syndrome And Related Disorders and no experimental evidence demonstrating its impact on protein function have been reported. No clinical diagnostic laboratories have submitted clinical-significance assessments for this variant to ClinVar after 2014. Based on the evidence outlined above, the variant was classified as likely pathogenic.